The following is an entry in ClinVar:

ClinVar aggregate classification (germline): Uncertain significance. Review status: criteria provided, multiple submitters, no conflicts (2 of 4 stars). 2 submissions from 2 submitters: Uncertain significance (2). Last evaluated 2024-04-19.

Conditions:
Neonatal diabetes mellitus with congenital hypothyroidism. Also called: NDH SYNDROME. Identifiers: Orphanet 79118, MedGen C1857775, MONDO:0012436, OMIM 610199.

Allele frequency attached by ClinVar (database versions not stated): gnomAD exomes 0.00001; ExAC 0.00003; TOPMed 0.00007; gnomAD 0.00011; 1000 Genomes Project 30x 0.00016; 1000 Genomes Project 0.00020.
gnomAD v4.1: 32 of 1,613,996 alleles (0.002%); highest among the groups gnomAD compares: African/African-American, 0.036%; no homozygotes.

Submissions (2):

Fulgent Genetics
Classification: Uncertain significance for Neonatal diabetes mellitus with congenital hypothyroidism. Last evaluated: 2024-04-19. Review status: criteria provided, single submitter. Criteria: ACMG Guidelines, 2015. Collection method: clinical testing. Allele origin: germline.

GeneDx
Classification: Uncertain significance. Last evaluated: 2022-06-02. Review status: criteria provided, single submitter. Criteria: GeneDx Variant Classification Process June 2021. Collection method: clinical testing. Allele origin: germline. Affected: yes.
Comment: In silico analysis supports that this missense variant has a deleterious effect on protein structure/function; Has not been previously published as pathogenic or benign to our knowledge

NM_001042413.2(GLIS3):c.2270T>C (p.Leu757Pro)

Gene: GLIS3 (GLIS family zinc finger 3; minus strand). Cytogenetic location: 9p24.2.
Variant type: single nucleotide variant.
Coding change: c.2270T>C on transcript NM_001042413.2 (MANE Select); coding-DNA position 2270, T replaced by C.
Protein change: p.Leu757Pro; replaces leucine 757 with proline.
Molecular consequence: missense variant.
Genome position (GRCh38, 1-based): chr9:3,879,454, A>G on the plus strand (T>C on the coding strand, the complement: GLIS3 is on the minus strand). VCF-style: chr9-3879454-A-G. GRCh37 (hg19) VCF-style: chr9-3879454-A-G.
Other names: c.1805T>C, p.Leu602Pro (NM_152629.4); short protein forms L602P, L757P.
Identifiers: ClinVar variation 1802063 (VCV001802063.2), dbSNP rs576465879, ClinGen allele CA4967866.